The following is an entry in ClinVar:

NM_000059.4(BRCA2):c.3910A>G (p.Thr1304Ala)

Gene: BRCA2 (BRCA2 DNA repair associated; plus strand). Cytogenetic location: 13q13.1.
Variant type: single nucleotide variant.
Coding change: c.3910A>G on transcript NM_000059.4 (MANE Select); coding-DNA position 3910, A replaced by G.
Protein change: p.Thr1304Ala; replaces threonine 1304 with alanine.
Molecular consequence: missense variant.
Genome position (GRCh38, 1-based): chr13:32,338,265, A>G. VCF-style: chr13-32338265-A-G. GRCh37 (hg19) VCF-style: chr13-32912402-A-G.
Other names: 4138A>G; short protein forms T1304A.
Identifiers: ClinVar variation 37865 (VCV000037865.38), dbSNP rs28897723, ClinGen allele CA019137.

ClinVar aggregate classification (germline): Conflicting classifications of pathogenicity. Review status: criteria provided, conflicting classifications (1 of 4 stars). 17 submissions from 17 submitters: Uncertain significance (4); Benign (1); Likely benign (7). 5 of the submissions do not count toward it. Last evaluated 2026-03-03.

Conditions:
BRCA2-related disorder. Also called: BRCA2-related condition; BRCA2-related disorders. Identifiers: MedGen CN239275.
Breast and/or ovarian cancer. Identifiers: MedGen CN221562.
Hereditary breast ovarian cancer syndrome. Also called: Hereditary breast and ovarian cancer; Hereditary breast and ovarian cancer syndrome (HBOC); Hereditary breast and ovarian cancer syndrome; Breast and ovarian cancer; Hereditary breast and/or ovarian cancer syndrome; BRCA1- and BRCA2-Associated Hereditary Breast and Ovarian Cancer. Identifiers: Orphanet 145, MedGen C0677776, MeSH D061325, MONDO:0003582. Disease mechanism: loss of function.
Hereditary cancer-predisposing syndrome. Also called: Neoplastic Syndromes, Hereditary; Hereditary neoplastic syndrome; Tumor predisposition; Hereditary Cancer Syndrome. Identifiers: Orphanet 140162, MedGen C0027672, MeSH D009386, MONDO:0015356.
Breast-ovarian cancer, familial, susceptibility to, 2 (BROVCA2). Also called: BRCA2 Hereditary Breast and Ovarian Cancer. Identifiers: Orphanet 145, MedGen C2675520, MONDO:0012933, OMIM 612555. Disease mechanism: loss of function.
Familial cancer of breast. Also called: Hereditary breast cancer; BREAST CANCER, FAMILIAL; hereditary breast carcinoma. Identifiers: Orphanet 227535, MedGen C0346153, MONDO:0016419, OMIM 114480. Disease mechanism: loss of function.
Malignant tumor of breast. Also called: Malignant breast neoplasm; Cancer breast. Identifiers: MedGen C0006142, MONDO:0007254. Disease mechanism: loss of function.

Allele frequency attached by ClinVar (database versions not stated): gnomAD exomes 0.00003; ExAC 0.00005; TOPMed below 0.00001.

Submissions (17):

Women's Health and Genetics/Laboratory Corporation of America, LabCorp
Classification: Uncertain significance. Last evaluated: 2026-03-03. Review status: criteria provided, single submitter. Criteria: LabCorp Variant Classification Summary - May 2015. Collection method: clinical testing. Allele origin: germline.
Comment: Variant summary: BRCA2 c.3910A>G (p.Thr1304Ala) results in a non-conservative amino acid change in the encoded protein sequence. Algorithms developed to predict the effect of missense changes on protein structure and function are either unavailable or do not agree on the potential impact of this missense change. The variant allele was found at a frequency of 3.4e-05 in 208654 control chromosomes. The available data on variant occurrences in the general population are insufficient to allow any conclusion about variant significance. c.3910A>G has been observed in individuals affected with pancreatic cancer, cutaneous malignant melanoma, or breast and/or ovarian cancer (e.g. Capalbo_2006, Goldstein_2017, Dudley_2018), however without strong evidence for causality. The variant has also been reported in a healthy control (Momozawa_2018) as well as in 2 carriers in a healthy cohort of women over the age of 70 who have never had cancer (FLOSSIES database). These reports do not provide unequivocal conclusions about association of the variant with Hereditary Breast And Ovarian Cancer Syndrome. To our knowledge, no experimental evidence demonstrating an impact on protein function has been reported. The following publications have been ascertained in the context of this evaluation (PMID: 16760289, 29360161, 29036293, 30287823). ClinVar contains an entry for this variant (Variation ID: 37865). Based on the evidence outlined above, the variant was classified as VUS-possibly benign.

Labcorp Genetics (formerly Invitae), Labcorp
Classification: Likely benign for Hereditary breast ovarian cancer syndrome. Last evaluated: 2025-12-22. Review status: criteria provided, single submitter. Criteria: Invitae Variant Classification Sherloc (09022015). Collection method: clinical testing. Allele origin: germline.

Center for Genomic Medicine, Rigshospitalet, Copenhagen University Hospital
Classification: Uncertain significance. Last evaluated: 2025-03-04. Review status: criteria provided, single submitter. Criteria: ACMG Guidelines, 2015. Collection method: clinical testing. Allele origin: germline.

Dasa
Classification: Likely benign for Breast-ovarian cancer, familial, susceptibility to, 2. Last evaluated: 2025-01-22. Review status: criteria provided, single submitter. Criteria: DASA Assertion Criteria. Collection method: clinical testing. Allele origin: germline.
Comment: NM_000059.4(BRCA2):c.3910A>G (p.Thr1304Ala) is a missense variant that results in the substitution of threonine with alanine. Population frequency is inconsistent with a disease-causing role for this variant, and the variant context is inconsistent with a known disease-causing mechanism. Therefore, based on the currently available evidence, this variant is classified as likely benign.

Quest Diagnostics Nichols Institute San Juan Capistrano
Classification: Uncertain significance. Last evaluated: 2024-12-07. Review status: criteria provided, single submitter. Criteria: Quest Diagnostics criteria. Collection method: clinical testing. Allele origin: unknown.
Comment: The BRCA2 c.3910A>G (p.Thr1304Ala) variant has been reported in the published literature in individuals with breast and/or ovarian cancer (PMID: 16760289 (2006), 33471991 (2021), see also LOVD), and an individual with pancreatic, prostate, and bladder cancer (PMID: 29360161 (2018)). This variant has also been found in reportedly healthy individuals (PMID: 30287823 (2018), 33471991 (2021), see also LOVD), and is described to be located in a region of the BRCA2 gene that is tolerant to missense sequence changes (PMID: 31911673 (2020)). The frequency of this variant in the general population (Genome Aggregation Database) is uninformative in the assessment of its pathogenicity. Analysis of this variant using bioinformatics tools for the prediction of the effect of amino acid changes on protein structure and function yielded predictions that this variant is benign. Based on the available information, we are unable to determine the clinical significance of this variant.

MGZ Medical Genetics Center
Classification: Likely benign for Familial cancer of breast. Last evaluated: 2024-02-09. Review status: criteria provided, single submitter. Criteria: CSpec BRCA1/2ACMG Rules Specifications V1.1.0. Collection method: clinical testing. Allele origin: germline. Affected: yes.
Comment: ACMG codes applied following ENIGMA VCEP rules: BS1_SUP, BP1_STR

University of Washington Department of Laboratory Medicine, University of Washington
Classification: Likely benign for Hereditary cancer-predisposing syndrome. Last evaluated: 2023-03-23. Review status: criteria provided, single submitter. Criteria: Dines et al. (Genet Med. 2020). Collection method: curation. Allele origin: germline.
Comment: Missense variant in a coldspot region where missense variants are very unlikely to be pathogenic (PMID:31911673).

BRCA2 exon 11 coldspot. Reclassification based on statistical prior probability.

Mendelics
Classification: Likely benign for Breast-ovarian cancer, familial, susceptibility to, 2. Last evaluated: 2019-05-28. Review status: criteria provided, single submitter. Criteria: Mendelics Assertion Criteria 2017. Collection method: clinical testing. Allele origin: unknown.

Ambry Genetics
Classification: Likely benign for Hereditary cancer-predisposing syndrome. Last evaluated: 2018-01-04. Review status: criteria provided, single submitter. Criteria: Ambry Variant Classification Scheme 2023. Collection method: clinical testing. Allele origin: germline.

CHEO Genetics Diagnostic Laboratory, Children's Hospital of Eastern Ontario
Classification: Uncertain significance for Breast and/or ovarian cancer. Last evaluated: 2017-12-29. Review status: criteria provided, single submitter. Criteria: ACMG Guidelines, 2015. Collection method: clinical testing. Allele origin: germline.

GeneDx
Classification: Likely benign. Last evaluated: 2017-12-08. Review status: criteria provided, single submitter. Criteria: GeneDx Variant Classification (06012015). Collection method: clinical testing. Allele origin: germline. Affected: yes.
Comment: This variant is considered likely benign or benign based on one or more of the following criteria: it is a conservative change, it occurs at a poorly conserved position in the protein, it is predicted to be benign by multiple in silico algorithms, and/or has population frequency not consistent with disease.

Color Diagnostics, LLC DBA Color Health
Classification: Benign for Hereditary cancer-predisposing syndrome. Last evaluated: 2016-02-22. Review status: criteria provided, single submitter. Criteria: ACMG Guidelines, 2015. Collection method: clinical testing. Allele origin: germline.

PreventionGenetics, part of Exact Sciences
Classification: Likely benign for BRCA2-related condition. Last evaluated: 2023-06-15. Review status: no assertion criteria provided. Collection method: clinical testing. Allele origin: germline. Not counted in ClinVar's aggregate classification.
Comment: This variant is classified as likely benign based on ACMG/AMP sequence variant interpretation guidelines (Richards et al. 2015 PMID: 25741868, with internal and published modifications).

Counsyl
Classification: Uncertain significance for Breast-ovarian cancer, familial, susceptibility to, 2. Last evaluated: 2018-03-12. Review status: no assertion criteria provided. Collection method: clinical testing. Allele origin: unknown. Not counted in ClinVar's aggregate classification.

Sharing Clinical Reports Project (SCRP)
Classification: Benign for Breast-ovarian cancer, familial 2. Last evaluated: 2009-02-02. Review status: no assertion criteria provided. Collection method: clinical testing. Allele origin: germline. Not counted in ClinVar's aggregate classification.

Breast Cancer Information Core (BIC) (BRCA2)
Classification: Uncertain significance for Breast-ovarian cancer, familial 2. Last evaluated: 2002-05-29. Review status: no assertion criteria provided. Collection method: clinical testing. Allele origin: germline. Affected: yes. Observed: 2 variant alleles. Not counted in ClinVar's aggregate classification.

Department of Pathology and Laboratory Medicine, Sinai Health System
Classification: Uncertain significance for Malignant tumor of breast. Review status: no assertion criteria provided. Collection method: clinical testing. Allele origin: unknown. Affected: yes. Study: The Canadian Open Genetics Repository (COGR). Not counted in ClinVar's aggregate classification.
Comment: The BRCA2 p.Thr1304Ala variant was not identified in the literature in a patient population. The variant was identified in dbSNP (ID: rs28897723 as "With other allele"), ClinVar (1x as benign by SCRP; 3x as likely benign by Ambry Genetics, GeneDx, and Invitae; and 4x as uncertain significance by Counsyl, BI, CHEO Genetics Diagnostic Laboratory, and at Sinai Health System), MutDB, LOVD 3.0 (2x), and UMD-LSDB (8x as unclassified variant). The variant was not identified in Cosmic, ARUP Laboratories, or Zhejiang University databases. The variant was identified in control databases in 7 of 205258 chromosomes at a frequency of 0.00003 (Genome Aggregation Database Feb 27, 2017). The variant was observed in the following populations: Other in 1 of 4492 chromosomes (freq: 0.0002) and European in 6 of 95212 chromosomes (freq: 0.00006); it was not observed in the African, Latino, Ashkenazi Jewish, East Asian, Finnish, or South Asian populations. The p.Thr1304 residue is not conserved in mammals and 5 of 5 computational analyses (PolyPhen-2, SIFT, AlignGVGD, BLOSUM, MutationTaster) do not suggest a high likelihood of impact to the protein; however, this information is not predictive enough to rule out pathogenicity. The variant occurs outside of the splicing consensus sequence and 5 of 5 in silico or computational prediction software programs (SpliceSiteFinder, MaxEntScan, NNSPLICE, GeneSplicer, HumanSpliceFinder) do not predict a difference in splicing. In summary, based on the above information the clinical significance of this variant cannot be determined with certainty at this time. This variant is classified as a variant of uncertain significance.

Literature cited by the submitters: PubMed 16760289 (cited by 3 submitters); PubMed 29360161 (cited by Women's Health and Genetics/Laboratory Corporation of America, LabCorp and Quest Diagnostics Nichols Institute San Juan Capistrano); PubMed 30287823 (cited by Women's Health and Genetics/Laboratory Corporation of America, LabCorp and Quest Diagnostics Nichols Institute San Juan Capistrano); PubMed 29036293 (cited by Women's Health and Genetics/Laboratory Corporation of America, LabCorp); PubMed 31911673 (cited by Quest Diagnostics Nichols Institute San Juan Capistrano); PubMed 33471991 (cited by Quest Diagnostics Nichols Institute San Juan Capistrano); PubMed 24817641 (cited by Counsyl).